The following is an entry in ClinVar:

ClinVar aggregate classification (germline): Conflicting classifications of pathogenicity. Review status: criteria provided, conflicting classifications (1 of 4 stars). 7 submissions from 7 submitters: Uncertain significance (1); Benign (2); Likely benign (4). Last evaluated 2026-01-21.

Conditions:
Early-infantile DEE. Also called: Ohtahara syndrome; Early infantile epileptic encephalopathy; Early infantile epileptic encephalopathy with suppression bursts. Identifiers: Orphanet 1934, MedGen C0393706, MONDO:0800491.

Allele frequency attached by ClinVar (database versions not stated): TOPMed 0.00005; gnomAD 0.00006 and 0.00005; ESP Exome Variant Server 0.00008; ExAC 0.00018; gnomAD exomes 0.00023.
gnomAD v4.1: 89 of 1,612,988 alleles (0.0055%); highest among the groups gnomAD compares: Admixed American, 0.097%; no homozygotes.

Submissions (17):

Labcorp Genetics (formerly Invitae), Labcorp
Classification: Likely benign for Early-infantile DEE. Last evaluated: 2026-01-21. Review status: criteria provided, single submitter. Criteria: Invitae Variant Classification Sherloc (09022015). Collection method: clinical testing. Allele origin: germline.

CeGaT Center for Human Genetics Tuebingen
Classification: Likely benign. Last evaluated: 2025-10-01. Review status: criteria provided, single submitter. Criteria: CeGaT Center For Human Genetics Tuebingen Variant Classification Criteria Version 2. Collection method: clinical testing. Allele origin: germline. Affected: yes. Observed: 1 variant allele.
Comment: SCN1A: BS1

Women's Health and Genetics/Laboratory Corporation of America, LabCorp
Classification: Likely benign. Last evaluated: 2025-06-06. Review status: criteria provided, single submitter. Criteria: LabCorp Variant Classification Summary - May 2015. Collection method: clinical testing. Allele origin: germline.

Athena Diagnostics
Classification: Benign. Last evaluated: 2024-10-02. Review status: criteria provided, single submitter. Criteria: Athena Diagnostics Criteria. Collection method: clinical testing. Allele origin: unknown.

Blueprint Genetics
Classification: Likely benign. Last evaluated: 2020-03-15. Review status: criteria provided, single submitter. Criteria: ACMG Guidelines, 2015. Collection method: clinical testing. Allele origin: germline.

GeneDx
Classification: Benign. Last evaluated: 2019-01-07. Review status: criteria provided, single submitter. Criteria: GeneDx Variant Classification Process June 2021. Collection method: clinical testing. Allele origin: germline. Affected: yes.

Eurofins Ntd Llc (ga)
Classification: Uncertain significance. Last evaluated: 2018-01-29. Review status: criteria provided, single submitter. Criteria: EGL Classification Definitions 2015. Collection method: clinical testing. Allele origin: germline. Observed: 2 variant alleles, 2 heterozygotes.

Channelopathy-Associated Epilepsy Research Center
No classification provided (evidence only). Review status: no classification provided. Collection method: in vitro. Allele origin: not applicable. Functional consequence: Normal peak current. Not counted in ClinVar's aggregate classification.

Channelopathy-Associated Epilepsy Research Center
No classification provided (evidence only). Review status: no classification provided. Collection method: in vitro. Allele origin: not applicable. Functional consequence: Normal voltage dependence of activation. Not counted in ClinVar's aggregate classification.

Channelopathy-Associated Epilepsy Research Center
No classification provided (evidence only). Review status: no classification provided. Collection method: in vitro. Allele origin: not applicable. Functional consequence: Normal slope of activation. Not counted in ClinVar's aggregate classification.

Channelopathy-Associated Epilepsy Research Center
No classification provided (evidence only). Review status: no classification provided. Collection method: in vitro. Allele origin: not applicable. Functional consequence: Normal voltage dependence of fast inactivation. Not counted in ClinVar's aggregate classification.

Channelopathy-Associated Epilepsy Research Center
No classification provided (evidence only). Review status: no classification provided. Collection method: in vitro. Allele origin: not applicable. Functional consequence: Normal slope of fast inactivation. Not counted in ClinVar's aggregate classification.

Channelopathy-Associated Epilepsy Research Center
No classification provided (evidence only). Review status: no classification provided. Collection method: in vitro. Allele origin: not applicable. Functional consequence: Normal rate of recovery from fast inactivation. Not counted in ClinVar's aggregate classification.

Channelopathy-Associated Epilepsy Research Center
No classification provided (evidence only). Review status: no classification provided. Collection method: in vitro. Allele origin: not applicable. Functional consequence: Normal current amplitude in use dependence. Not counted in ClinVar's aggregate classification.

Channelopathy-Associated Epilepsy Research Center
No classification provided (evidence only). Review status: no classification provided. Collection method: in vitro. Allele origin: not applicable. Functional consequence: Normal fast inactivation. Not counted in ClinVar's aggregate classification.

Channelopathy-Associated Epilepsy Research Center
No classification provided (evidence only). Review status: no classification provided. Collection method: in vitro. Allele origin: not applicable. Functional consequence: Normal ramp current. Not counted in ClinVar's aggregate classification.

Channelopathy-Associated Epilepsy Research Center
No classification provided (evidence only). Review status: no classification provided. Collection method: in vitro. Allele origin: not applicable. Functional consequence: Normal persistent current. Not counted in ClinVar's aggregate classification.

Literature cited by the submitters: PubMed 32347949 (cited by Athena Diagnostics).

NM_001165963.4(SCN1A):c.4724G>A (p.Arg1575His)

Genes: SCN1A (sodium voltage-gated channel alpha subunit 1; minus strand), LOC102724058 (uncharacterized LOC102724058; plus strand). Cytogenetic location: 2q24.3.
Variant type: single nucleotide variant.
Coding change: c.4724G>A on transcript NM_001165963.4 (MANE Select); coding-DNA position 4724, G replaced by A.
Protein change: p.Arg1575His; replaces arginine 1575 with histidine.
Molecular consequence: missense variant. On other transcripts: non-coding transcript variant (1).
Genome position (GRCh38, 1-based): chr2:165,994,274, C>T on the plus strand (G>A on the coding strand, the complement: SCN1A is on the minus strand). VCF-style: chr2-165994274-C-T. GRCh37 (hg19) VCF-style: chr2-166850784-C-T.
Other names: p.R1575H:CGC>CAC; c.4640G>A, p.Arg1547His (NM_001165964.3, NM_001353957.2, NM_001353958.2); c.4724G>A, p.Arg1575His (NM_001202435.3, NM_001353948.2); c.4691G>A, p.Arg1564His (NM_001353949.2, NM_001353950.2, NM_001353951.2 and 2 more transcripts); c.4688G>A, p.Arg1563His (NM_001353954.2, NM_001353955.2); c.4637G>A, p.Arg1546His (NM_001353960.2); c.2282G>A, p.Arg761His (NM_001353961.2); c.4724G>A (NM_001202435.1); short protein forms R1564H, R1575H, R1546H, R761H, R1547H, R1563H.
Identifiers: ClinVar variation 206845 (VCV000206845.28), dbSNP rs368834365, ClinGen allele CA317525.